The following is an entry in ClinVar:

NM_032043.3(BRIP1):c.57T>C (p.Tyr19=)

Gene: BRIP1 (BRCA1 interacting DNA helicase 1; minus strand). Cytogenetic location: 17q23.2.
Variant type: single nucleotide variant.
Coding change: c.57T>C on transcript NM_032043.3 (MANE Select); coding-DNA position 57, T replaced by C.
Protein change: p.Tyr19=; no amino-acid change (tyrosine 19 retained).
Molecular consequence: synonymous variant.
Genome position (GRCh38, 1-based): chr17:61,861,483, A>G on the plus strand (T>C on the coding strand, the complement: BRIP1 is on the minus strand). VCF-style: chr17-61861483-A-G. GRCh37 (hg19) VCF-style: chr17-59938844-A-G.
Identifiers: ClinVar variation 232154 (VCV000232154.21), dbSNP rs876659588, ClinGen allele CA10580897.

ClinVar aggregate classification (germline): Benign/Likely benign. Review status: criteria provided, multiple submitters, no conflicts (2 of 4 stars). 5 submissions from 5 submitters: Benign (1); Likely benign (3). 1 of the submissions does not count toward it. Last evaluated 2025-09-10.

Conditions:
Hereditary cancer-predisposing syndrome. Also called: Hereditary Cancer Syndrome; Neoplastic Syndromes, Hereditary; Tumor predisposition; Hereditary neoplastic syndrome. Identifiers: Orphanet 140162, MedGen C0027672, MeSH D009386, MONDO:0015356.
Fanconi anemia complementation group J. Also called: BRIP1-Related Fanconi Anemia. Identifiers: Orphanet 84, MedGen C1836860, MONDO:0012187, OMIM 609054.
Familial cancer of breast. Also called: Hereditary breast cancer; hereditary breast carcinoma; BREAST CANCER, FAMILIAL. Identifiers: Orphanet 227535, MedGen C0346153, MONDO:0016419, OMIM 114480. Disease mechanism: loss of function.

Allele frequency attached by ClinVar (database versions not stated): gnomAD exomes 0.00001.
gnomAD v4.1: 8 of 1,613,456 alleles (0.0005%); highest among the groups gnomAD compares: East Asian, 0.018%; no homozygotes.

Submissions (5):

Labcorp Genetics (formerly Invitae), Labcorp
Classification: Likely benign for Familial cancer of breast; Fanconi anemia complementation group J. Last evaluated: 2025-09-10. Review status: criteria provided, single submitter. Criteria: Invitae Variant Classification Sherloc (09022015). Collection method: clinical testing. Allele origin: germline.

Myriad Genetics, Inc.
Classification: Benign for Familial cancer of breast. Last evaluated: 2024-08-09. Review status: criteria provided, single submitter. Criteria: Myriad Autosomal Dominant, Autosomal Recessive and X-Linked Classification Criteria (2023). Collection method: clinical testing. Allele origin: unknown.
Comment: This variant is considered benign. This variant is a silent/synonymous amino acid change and it is not expected to impact splicing.

Ambry Genetics
Classification: Likely benign for Hereditary cancer-predisposing syndrome. Last evaluated: 2015-06-04. Review status: criteria provided, single submitter. Criteria: Ambry Variant Classification Scheme 2023. Collection method: clinical testing. Allele origin: germline.

Color Diagnostics, LLC DBA Color Health
Classification: Likely benign for Hereditary cancer-predisposing syndrome. Last evaluated: 2015-04-22. Review status: criteria provided, single submitter. Criteria: ACMG Guidelines, 2015. Collection method: clinical testing. Allele origin: germline.

Leiden Open Variation Database
Classification: Benign. Last evaluated: 2019-08-13. Review status: no assertion criteria provided. Collection method: curation. Allele origin: germline. Affected: yes. Not counted in ClinVar's aggregate classification.
Comment: Curator: Arleen D. Auerbach. Submitter to LOVD: Yukihide Momozawa.

Literature cited by the submitters: PubMed 31214711 (cited by Leiden Open Variation Database).